The following is an entry in ClinVar:

NM_001077653.2(TBX20):c.533C>A (p.Pro178Gln)

Gene: TBX20 (T-box transcription factor 20; minus strand). Cytogenetic location: 7p14.2.
Variant type: single nucleotide variant.
Coding change: c.533C>A on transcript NM_001077653.2 (MANE Select); coding-DNA position 533, C replaced by A.
Protein change: p.Pro178Gln; replaces proline 178 with glutamine.
Molecular consequence: missense variant.
Genome position (GRCh38, 1-based): chr7:35,248,689, G>T on the plus strand (C>A on the coding strand, the complement: TBX20 is on the minus strand). VCF-style: chr7-35248689-G-T. GRCh37 (hg19) VCF-style: chr7-35288301-G-T.
Other names: c.533C>A, p.Pro178Gln (NM_001166220.1); short protein forms P178Q.
Identifiers: ClinVar variation 2718148 (VCV002718148.3), dbSNP rs760169368, ClinGen allele CA367264542.

ClinVar aggregate classification (germline): Uncertain significance (1 of 4 stars; one submission).

Submission:

Labcorp Genetics (formerly Invitae), Labcorp
Classification: Uncertain significance. Last evaluated: 2023-06-17. Review status: criteria provided, single submitter. Criteria: Invitae Variant Classification Sherloc (09022015). Collection method: clinical testing. Allele origin: germline.
Comment: In summary, the available evidence is currently insufficient to determine the role of this variant in disease. Therefore, it has been classified as a Variant of Uncertain Significance. Advanced modeling of protein sequence and biophysical properties (such as structural, functional, and spatial information, amino acid conservation, physicochemical variation, residue mobility, and thermodynamic stability) performed at Invitae indicates that this missense variant is not expected to disrupt TBX20 protein function. This variant has not been reported in the literature in individuals affected with TBX20-related conditions. This variant is not present in population databases (gnomAD no frequency). This sequence change replaces proline, which is neutral and non-polar, with glutamine, which is neutral and polar, at codon 178 of the TBX20 protein (p.Pro178Gln).